The following is an entry in ClinVar:

NM_004551.3(NDUFS3):c.91T>C (p.Leu31=)

Gene: NDUFS3 (NADH:ubiquinone oxidoreductase core subunit S3; plus strand). Cytogenetic location: 11p11.2.
Variant type: single nucleotide variant.
Coding change: c.91T>C on transcript NM_004551.3 (MANE Select); coding-DNA position 91, T replaced by C.
Protein change: p.Leu31=; no amino-acid change (leucine 31 retained).
Molecular consequence: synonymous variant.
Genome position (GRCh38, 1-based): chr11:47,579,292, T>C. VCF-style: chr11-47579292-T-C. GRCh37 (hg19) VCF-style: chr11-47600844-T-C.
Identifiers: ClinVar variation 304993 (VCV000304993.8), dbSNP rs770306617, ClinGen allele CA5977804.

ClinVar aggregate classification (germline): Conflicting classifications of pathogenicity. Review status: criteria provided, conflicting classifications (1 of 4 stars). 4 submissions from 3 submitters: Uncertain significance (2); Likely benign (2). Last evaluated 2023-09-30.

Conditions:
Leigh syndrome (NULS). Also called: Leigh's syndrome; Leigh Disease; Subacute necrotizing encephalopathy; Necrotizing encephalopathy infantile subacute of Leigh; LEIGH SYNDROME, NUCLEAR; Leigh's necrotizing encephalopathy. Identifiers: Orphanet 506, MedGen C2931891, MONDO:0009723, OMIM 256000.
Mitochondrial complex I deficiency, nuclear type 1. Also called: NADH-COENZYME Q REDUCTASE DEFICIENCY; MITOCHONDRIAL NADH DEHYDROGENASE COMPONENT OF COMPLEX I, DEFICIENCY OF. Identifiers: MedGen C6022305, MONDO:0100224, OMIM 252010.

Allele frequency attached by ClinVar (database versions not stated): TOPMed below 0.00001; gnomAD 0.00001 and 0.00003; gnomAD exomes 0.00007 and 0.00014; ExAC 0.00016.
gnomAD v4.1: 116 of 1,614,074 alleles (0.0072%); highest among the groups gnomAD compares: South Asian, 0.12%; no homozygotes.

Submissions (4):

Labcorp Genetics (formerly Invitae), Labcorp
Classification: Likely benign. Last evaluated: 2023-09-30. Review status: criteria provided, single submitter. Criteria: Invitae Variant Classification Sherloc (09022015). Collection method: clinical testing. Allele origin: germline.

Illumina Laboratory Services, Illumina
Classification: Uncertain significance for Mitochondrial complex I deficiency, nuclear type 1. Last evaluated: 2018-01-13. Review status: criteria provided, single submitter. Criteria: ICSL Variant Classification Criteria 13 December 2019. Collection method: clinical testing. Allele origin: germline.

Illumina Laboratory Services, Illumina
Classification: Uncertain significance for Leigh syndrome. Last evaluated: 2018-01-13. Review status: criteria provided, single submitter. Criteria: ICSL Variant Classification Criteria 13 December 2019. Collection method: clinical testing. Allele origin: germline.

GeneDx
Classification: Likely benign. Last evaluated: 2017-11-27. Review status: criteria provided, single submitter. Criteria: GeneDx Variant Classification (06012015). Collection method: clinical testing. Allele origin: germline. Affected: yes.
Comment: This variant is considered likely benign or benign based on one or more of the following criteria: it is a conservative change, it occurs at a poorly conserved position in the protein, it is predicted to be benign by multiple in silico algorithms, and/or has population frequency not consistent with disease.